The following is an entry in ClinVar:

NM_006031.6(PCNT):c.7477A>G (p.Lys2493Glu)

Gene: PCNT (pericentrin; plus strand). Cytogenetic location: 21q22.3.
Variant type: single nucleotide variant.
Coding change: c.7477A>G on transcript NM_006031.6 (MANE Select); coding-DNA position 7477, A replaced by G.
Protein change: p.Lys2493Glu; replaces lysine 2493 with glutamic acid.
Molecular consequence: missense variant.
Genome position (GRCh38, 1-based): chr21:46,427,778, A>G. VCF-style: chr21-46427778-A-G. GRCh37 (hg19) VCF-style: chr21-47847692-A-G.
Other names: c.7123A>G, p.Lys2375Glu (NM_001315529.2); short protein forms K2375E, K2493E.
Identifiers: ClinVar variation 1487398 (VCV001487398.6), dbSNP rs2087570845, ClinGen allele CA410569041.

ClinVar aggregate classification (germline): Uncertain significance (1 of 4 stars; one submission).

Submission:

Labcorp Genetics (formerly Invitae), Labcorp
Classification: Uncertain significance. Last evaluated: 2026-01-14. Review status: criteria provided, single submitter. Criteria: Invitae Variant Classification Sherloc (09022015). Collection method: clinical testing. Allele origin: germline.
Comment: This sequence change replaces lysine, which is basic and polar, with glutamic acid, which is acidic and polar, at codon 2493 of the PCNT protein (p.Lys2493Glu). This variant is not present in population databases (gnomAD no frequency). This variant has not been reported in the literature in individuals affected with PCNT-related conditions. ClinVar contains an entry for this variant (Variation ID: 1487398). An algorithm developed to predict the effect of missense changes on protein structure and function (PolyPhen-2) suggests that this variant is likely to be tolerated. In summary, the available evidence is currently insufficient to determine the role of this variant in disease. Therefore, it has been classified as a Variant of Uncertain Significance.